The following is an entry in ClinVar:

NM_001370259.2(MEN1):c.567T>A (p.Asn189Lys)

Gene: MEN1 (menin 1; minus strand). Cytogenetic location: 11q13.1.
Variant type: single nucleotide variant.
Coding change: c.567T>A on transcript NM_001370259.2 (MANE Select); coding-DNA position 567, T replaced by A.
Protein change: p.Asn189Lys; replaces asparagine 189 with lysine.
Molecular consequence: missense variant. On other transcripts: intron variant (2).
Genome position (GRCh38, 1-based): chr11:64,807,978, A>T on the plus strand (T>A on the coding strand, the complement: MEN1 is on the minus strand). VCF-style: chr11-64807978-A-T. GRCh37 (hg19) VCF-style: chr11-64575450-A-T.
Other names: c.582T>A, p.Asn194Lys (NM_000244.4, NM_130800.3, NM_130801.3 and 3 more transcripts); c.567T>A, p.Asn189Lys (NM_001370251.2, NM_001370260.2, NM_001370261.2 and 1 more transcripts); c.567T>A (NM_130799.2); c.549+18T>A (NM_001370263.2, NM_001370262.2); short protein forms N189K, N194K.
Identifiers: ClinVar variation 1016314 (VCV001016314.9), dbSNP rs1212919060, ClinGen allele CA381185700.

ClinVar aggregate classification (germline): Conflicting classifications of pathogenicity. Review status: criteria provided, conflicting classifications (1 of 4 stars). 2 submissions from 2 submitters: Uncertain significance (1); Likely benign (1). Last evaluated 2025-03-19.

Conditions:
Multiple endocrine neoplasia, type 1 (MEN1). Also called: MEN I; WERMER SYNDROME; Endocrine adenomatosis multiple; MEN 1; MEA I. Identifiers: Orphanet 652, MedGen C0025267, MeSH D018761, MONDO:0007540, OMIM 131100.
Hereditary cancer-predisposing syndrome. Also called: Tumor predisposition; Hereditary Cancer Syndrome; Neoplastic Syndromes, Hereditary; Hereditary neoplastic syndrome. Identifiers: Orphanet 140162, MedGen C0027672, MeSH D009386, MONDO:0015356.

Allele frequency attached by ClinVar (database versions not stated): gnomAD exomes below 0.00001; TOPMed below 0.00001.

Submissions (2):

Ambry Genetics
Classification: Uncertain significance for Hereditary cancer-predisposing syndrome. Last evaluated: 2025-03-19. Review status: criteria provided, single submitter. Criteria: Ambry Variant Classification Scheme 2023. Collection method: clinical testing. Allele origin: germline.
Comment: The p.N189K variant (also known as c.567T>A), located in coding exon 2 of the MEN1 gene, results from a T to A substitution at nucleotide position 567. The asparagine at codon 189 is replaced by lysine, an amino acid with similar properties. This amino acid position is not well conserved in available vertebrate species. In addition, this alteration is predicted to be tolerated by in silico analysis. Based on the available evidence, the clinical significance of this variant remains unclear.

Labcorp Genetics (formerly Invitae), Labcorp
Classification: Likely benign for Multiple endocrine neoplasia, type 1. Last evaluated: 2024-04-22. Review status: criteria provided, single submitter. Criteria: Invitae Variant Classification Sherloc (09022015). Collection method: clinical testing. Allele origin: germline.